The following is an entry in ClinVar:

ClinVar aggregate classification (germline): Uncertain significance (1 of 4 stars; one submission).

Conditions:
Familial temporal lobe epilepsy 8. Identifiers: Orphanet 101046, MedGen C4225318, MONDO:0014650, OMIM 616461.

Allele frequency attached by ClinVar (database versions not stated): ExAC below 0.00001; gnomAD exomes below 0.00001.
gnomAD v4.1: 3 of 1,606,698 alleles (0.00019%); highest among the groups gnomAD compares: Non-Finnish European, 0.00025%; no homozygotes.

Submission:

Labcorp Genetics (formerly Invitae), Labcorp
Classification: Uncertain significance for Familial temporal lobe epilepsy 8. Last evaluated: 2018-09-14. Review status: criteria provided, single submitter. Criteria: Invitae Variant Classification Sherloc (09022015). Collection method: clinical testing. Allele origin: germline.
Comment: In summary, this variant is a novel missense change that is not predicted to affect protein function. There is no indication that it causes disease, but the available evidence is currently insufficient to prove that conclusively. Therefore, it has been classified as a Variant of Uncertain Significance. Algorithms developed to predict the effect of missense changes on protein structure and function output the following: (SIFT: "Tolerated"; PolyPhen-2: "Possibly Damaging"; Align-GVGD: "Class C0"). The proline amino acid residue is found in multiple mammalian species, suggesting that this missense change does not adversely affect protein function. These predictions have not been confirmed by published functional studies. This variant is not present in population databases (ExAC no frequency) and has not been reported in the literature in individuals with a GAL-related disease. This sequence change replaces serine with proline at codon 19 of the GAL protein (p.Ser19Pro). The serine residue is moderately conserved and there is a moderate physicochemical difference between serine and proline.

NM_015973.5(GAL):c.55T>C (p.Ser19Pro)

Gene: GAL (galanin and GMAP prepropeptide; plus strand). Cytogenetic location: 11q13.2.
Variant type: single nucleotide variant.
Coding change: c.55T>C on transcript NM_015973.5 (MANE Select); coding-DNA position 55, T replaced by C.
Protein change: p.Ser19Pro; replaces serine 19 with proline.
Molecular consequence: missense variant.
Genome position (GRCh38, 1-based): chr11:68,684,978, T>C. VCF-style: chr11-68684978-T-C. GRCh37 (hg19) VCF-style: chr11-68452446-T-C.
Other names: short protein forms S19P.
Identifiers: ClinVar variation 475916 (VCV000475916.8), dbSNP rs746008445, ClinGen allele CA6151406.